The following is an entry in ClinVar:

ClinVar aggregate classification (germline): Likely pathogenic (1 of 4 stars; one submission).

Conditions:
Primary ciliary dyskinesia. Also called: Ciliary dyskinesia. Identifiers: Orphanet 244, MedGen C0008780, MONDO:0016575, HP:0012265.

gnomAD v4.1: 103 of 1,612,942 alleles (0.0064%); highest among the groups gnomAD compares: South Asian, 0.091%; 2 homozygotes.

Submission:

Department of Human Genetics, Hannover Medical School
Classification: Likely pathogenic for Primary Ciliary Dyskinesia. Last evaluated: 2026-04-01. Review status: criteria provided, single submitter. Criteria: ACMG Guidelines, 2015. Collection method: research. Allele origin: germline. Affected: no.
Comment: Classification performed by HerediClassify using the following criteria:['PM2_supporting: Variant occures does not occur as homozygous in gnomAD.', 'PVS1_protein_very_strong: Transcript ENST00000331683 is predicted to undergo NMD. ']

NM_024532.5(SPAG16):c.1410C>A (p.Cys470Ter)

Gene: SPAG16 (sperm associated antigen 16; plus strand). Cytogenetic location: 2q34.
Variant type: single nucleotide variant.
Coding change: c.1410C>A on transcript NM_024532.5 (MANE Select); coding-DNA position 1410, C replaced by A.
Protein change: p.Cys470Ter; replaces cysteine 470 with a stop codon.
Molecular consequence: nonsense. On other transcripts: non-coding transcript variant (2).
Genome position (GRCh38, 1-based): chr2:214,013,960, C>A. VCF-style: chr2-214013960-C-A. GRCh37 (hg19) VCF-style: chr2-214878684-C-A.
Other names: short protein forms C470*.
Identifiers: ClinVar variation 4880113 (VCV004880113.1).